The following is an entry in ClinVar:

ClinVar aggregate classification (germline): Uncertain significance (1 of 4 stars; one submission).

gnomAD v4.1: 2 of 1,613,888 alleles (0.00012%); highest among the groups gnomAD compares: Non-Finnish European, 0.00017%; no homozygotes.

Submission:

Labcorp Genetics (formerly Invitae), Labcorp
Classification: Uncertain significance. Last evaluated: 2025-06-17. Review status: criteria provided, single submitter. Criteria: Invitae Variant Classification Sherloc (09022015). Collection method: clinical testing. Allele origin: germline.
Comment: This sequence change replaces histidine, which is basic and polar, with glutamine, which is neutral and polar, at codon 234 of the PHYH protein (p.His234Gln). This variant is not present in population databases (gnomAD no frequency). This variant has not been reported in the literature in individuals affected with PHYH-related conditions. ClinVar contains an entry for this variant (Variation ID: 2001060). Invitae Evidence Modeling of protein sequence and biophysical properties (such as structural, functional, and spatial information, amino acid conservation, physicochemical variation, residue mobility, and thermodynamic stability) indicates that this missense variant is not expected to disrupt PHYH protein function with a negative predictive value of 80%. In summary, the available evidence is currently insufficient to determine the role of this variant in disease. Therefore, it has been classified as a Variant of Uncertain Significance.

NM_006214.4(PHYH):c.702C>A (p.His234Gln)

Gene: PHYH (phytanoyl-CoA 2-hydroxylase; minus strand). Cytogenetic location: 10p13.
Variant type: single nucleotide variant.
Coding change: c.702C>A on transcript NM_006214.4 (MANE Select); coding-DNA position 702, C replaced by A.
Protein change: p.His234Gln; replaces histidine 234 with glutamine.
Molecular consequence: missense variant.
Genome position (GRCh38, 1-based): chr10:13,283,816, G>T on the plus strand (C>A on the coding strand, the complement: PHYH is on the minus strand). VCF-style: chr10-13283816-G-T. GRCh37 (hg19) VCF-style: chr10-13325816-G-T.
Other names: c.402C>A, p.His134Gln (NM_001037537.2, NM_001323080.2); c.708C>A, p.His236Gln (NM_001323082.2); c.438C>A, p.His146Gln (NM_001323083.2); c.408C>A, p.His136Gln (NM_001323084.2); short protein forms H136Q, H234Q, H146Q, H134Q, H236Q.
Identifiers: ClinVar variation 2001060 (VCV002001060.4), dbSNP rs547226475, ClinGen allele CA376034438.